The following is an entry in ClinVar:

NM_004082.5(DCTN1):c.414+1G>A

Gene: DCTN1 (dynactin subunit 1; minus strand). Cytogenetic location: 2p13.1.
Variant type: single nucleotide variant.
Coding change: c.414+1G>A on transcript NM_004082.5 (MANE Select); the canonical splice donor site of the intron after coding-DNA position 414, G replaced by A.
Molecular consequence: splice donor variant. On other transcripts: intron variant (3).
Genome position (GRCh38, 1-based): chr2:74,376,741, C>T on the plus strand (G>A on the coding strand, the complement: DCTN1 is on the minus strand). VCF-style: chr2-74376741-C-T. GRCh37 (hg19) VCF-style: chr2-74603868-C-T.
Other names: c.342+691G>A (NM_001190836.2); c.363+1G>A (NM_001378992.1, NM_001378991.1); c.393+691G>A (NM_001135040.3, NM_001190837.2).
Identifiers: ClinVar variation 282607 (VCV000282607.29), dbSNP rs576198476, ClinGen allele CA1722488.

ClinVar aggregate classification (germline): Conflicting classifications of pathogenicity. Review status: criteria provided, conflicting classifications (1 of 4 stars). 7 submissions from 7 submitters: Uncertain significance (6); Likely benign (1). Last evaluated 2026-08-31.

Conditions:
DCTN1-related disorder. Also called: DCTN1-related condition.
Inborn genetic diseases. Identifiers: MedGen C0950123, MeSH D030342.
Neuronopathy, distal hereditary motor, type 7B. Also called: NEURONOPATHY, DISTAL HEREDITARY MOTOR, AUTOSOMAL DOMINANT 14; NEURONOPATHY, DISTAL HEREDITARY MOTOR, HARDING TYPE VIIB; NEUROPATHY, DISTAL HEREDITARY MOTOR, HARDING TYPE VIIB; NEUROPATHY, DISTAL HEREDITARY MOTOR, WITH VOCAL CORD PARALYSIS, HARDING TYPE VIIB; LOWER MOTOR NEURON DISEASE, DYNACTIN TYPE; Distal Hereditary Motor Neuronopathy Type 7B (dHMN7B). Identifiers: Orphanet 139589, MedGen C1843315, MONDO:0011879, OMIM 607641.
Amyotrophic lateral sclerosis type 1 (ALS1). Also called: AMYOTROPHIC LATERAL SCLEROSIS 1, FAMILIAL. Identifiers: Orphanet 803, MedGen C1862939, MONDO:0007103, OMIM 105400.
Perry syndrome. Also called: PARKINSONISM WITH ALVEOLAR HYPOVENTILATION AND MENTAL DEPRESSION. Identifiers: Orphanet 178509, MedGen C1868594, MONDO:0008201, OMIM 168605.

Allele frequency attached by ClinVar (database versions not stated): gnomAD 0.00003; ExAC 0.00004; TOPMed 0.00010.
gnomAD v4.1: 100 of 1,604,832 alleles (0.0062%); highest among the groups gnomAD compares: Admixed American, 0.041%; 1 homozygote.

Submissions (9):

PreventionGenetics, part of Exact Sciences
Classification: Uncertain significance for DCTN1-related condition. Last evaluated: 2026-08-31. Review status: criteria provided, single submitter. Criteria: ACMG Guidelines, 2015. Collection method: clinical testing. Allele origin: germline.
Comment: The DCTN1 c.414+1G>A variant is predicted to disrupt the GT donor site and interfere with normal splicing. A small number of early termination changes have been reported in affected individuals, but at this time loss-of-function variation in DCTN1 has not been conclusively established as a cause of disease (Human Gene Mutation Database). This variant was reported as a variant of uncertain significance in an individual with features of distal motor neuropathy (Supp. Table 3, Frasquet et al. 2021. PubMed ID: 33369814). This variant is reported in 0.033% of alleles in individuals of Latino descent in gnomAD v2. However, in gnomAD v4 (available only on GRCh38), this variant is reported in 0.04% of alleles in a subpopulation, including 1 homozygote. This population data is not consistent with this variant being a primary cause of disease. At this time, the clinical significance of this variant is uncertain due to the absence of conclusive functional and genetic evidence.

Women's Health and Genetics/Laboratory Corporation of America, LabCorp
Classification: Uncertain significance. Last evaluated: 2026-03-17. Review status: criteria provided, single submitter. Criteria: LabCorp Variant Classification Summary - May 2015. Collection method: clinical testing. Allele origin: germline.
Comment: Variant summary: DCTN1 c.414+1G>A is located in a canonical splice-site and is predicted to affect mRNA splicing resulting in a significantly altered protein due to either exon skipping, shortening, or inclusion of intronic material. Variants that disrupt the consensus splice site are a relatively common cause of aberrant splicing, however current evidence is not sufficient to establish loss of function as a mechanism for disease. Computational tools predict a significant impact on normal splicing: Two predict the variant abolishes a canonical 5' splicing donor site. Two predict the variant strengthens a cryptic 5' donor site. However, RNA-seq from a patient carrying the variant did not identify aberrant transcript (Jaramillo Oquendo_2024). The variant allele was found at a frequency of 6.4e-05 in 236150 control chromosomes (gnomAD). The observed variant frequency exceeds the estimated maximal expected allele frequency for disease-causing variants in DCTN1. c.414+1G>A has been observed in an individual affected with Neuronopathy, distal hereditary motor (Frasquet_2021). These reports do not provide unequivocal conclusions about association of the variant with Neuronopathy, distal hereditary motor, type 7B. To our knowledge, no experimental evidence demonstrating an impact on protein function has been reported. The following publications have been ascertained in the context of this evaluation (PMID: 33369814, 39252027). ClinVar contains an entry for this variant (Variation ID: 282607). Based on the evidence outlined above, the variant was classified as uncertain significance.

Labcorp Genetics (formerly Invitae), Labcorp
Classification: Uncertain significance for Amyotrophic lateral sclerosis type 1; Neuronopathy, distal hereditary motor, type 7B; Perry syndrome. Last evaluated: 2025-12-26. Review status: criteria provided, single submitter. Criteria: Invitae Variant Classification Sherloc (09022015). Collection method: clinical testing. Allele origin: germline.
Comment: This sequence change affects a donor splice site in intron 5 of the DCTN1 gene. It is expected to disrupt RNA splicing. Variants that disrupt the donor or acceptor splice site typically lead to a loss of protein function (PMID: 16199547), however the current clinical and genetic evidence is not sufficient to establish whether loss-of-function variants in DCTN1 cause disease. This variant is present in population databases (rs576198476, gnomAD 0.03%). Disruption of this splice site has been observed in individual(s) with clinical features of distal hereditary motor neuropathy (PMID: 33369814). ClinVar contains an entry for this variant (Variation ID: 282607). In summary, the available evidence is currently insufficient to determine the role of this variant in disease. Therefore, it has been classified as a Variant of Uncertain Significance.

Laboratorio de Genetica e Diagnostico Molecular, Hospital Israelita Albert Einstein
Classification: Uncertain significance. Last evaluated: 2025-10-21. Review status: criteria provided, single submitter. Criteria: ACMG Guidelines, 2015. Collection method: clinical testing. Allele origin: germline. Affected: yes.

Ambry Genetics
Classification: Likely benign for Inborn genetic diseases. Last evaluated: 2020-12-22. Review status: criteria provided, single submitter. Criteria: Ambry Variant Classification Scheme 2023. Collection method: clinical testing. Allele origin: germline.

Fulgent Genetics
Classification: Uncertain significance for Amyotrophic lateral sclerosis type 1; Perry syndrome; Neuronopathy, distal hereditary motor, type 7B. Last evaluated: 2018-10-31. Review status: criteria provided, single submitter. Criteria: ACMG Guidelines, 2015. Collection method: clinical testing. Allele origin: unknown.

Eurofins Ntd Llc (ga)
Classification: Uncertain significance. Last evaluated: 2015-08-13. Review status: criteria provided, single submitter. Criteria: EGL Classification Definitions 2015. Collection method: clinical testing. Allele origin: germline. Observed: 1 variant allele, 1 heterozygote.

Dr. Peter K. Rogan Lab, Western University
No classification provided (evidence only). Condition: Cervical cancer. Review status: no classification provided. Collection method: in vitro. Allele origin: not applicable. Functional consequence: retained intron. Not counted in ClinVar's aggregate classification.

Dr. Peter K. Rogan Lab, Western University
No classification provided (evidence only). Condition: Chronic lymphocytic leukemia/small lymphocytic lymphoma. Review status: no classification provided. Collection method: in vitro. Allele origin: not applicable. Functional consequence: retained intron. Not counted in ClinVar's aggregate classification.

Literature cited by the submitters: PubMed 33369814 (cited by Women's Health and Genetics/Laboratory Corporation of America, LabCorp and Labcorp Genetics (formerly Invitae), Labcorp); PubMed 39252027 (cited by Women's Health and Genetics/Laboratory Corporation of America, LabCorp); PubMed 16199547 (cited by Labcorp Genetics (formerly Invitae), Labcorp).